The following is an entry in ClinVar:

NM_021614.4(KCNN2):c.13T>C (p.Leu5=)

Gene: KCNN2 (potassium calcium-activated channel subfamily N member 2; plus strand). Cytogenetic location: 5q22.3.
Variant type: single nucleotide variant.
Coding change: c.13T>C on transcript NM_021614.4 (MANE Select); coding-DNA position 13, T replaced by C.
Protein change: p.Leu5=; no amino-acid change (leucine 5 retained).
Molecular consequence: synonymous variant. On other transcripts: non-coding transcript variant (1).
Genome position (GRCh38, 1-based): chr5:114,362,152, T>C. VCF-style: chr5-114362152-T-C. GRCh37 (hg19) VCF-style: chr5-113697849-T-C.
Other names: c.211T>C, p.Leu71= (NM_001372233.1).
Identifiers: ClinVar variation 4873328 (VCV004873328.2).

ClinVar aggregate classification (germline): Likely benign (1 of 4 stars; one submission).

gnomAD v4.1: 143 of 168,118 alleles (0.085%); highest among the groups gnomAD compares: African/African-American, 0.23%; 1 homozygote.

Submission:

CeGaT Center for Human Genetics Tuebingen
Classification: Likely benign. Last evaluated: 2026-06-01. Review status: criteria provided, single submitter. Criteria: CeGaT Center For Human Genetics Tuebingen Variant Classification Criteria Version 2. Collection method: clinical testing. Allele origin: germline. Affected: yes. Observed: 1 variant allele.
Comment: KCNN2: BP4, BS1